The following is an entry in ClinVar:

ClinVar aggregate classification (germline): Uncertain significance. Review status: criteria provided, multiple submitters, no conflicts (2 of 4 stars). 2 submissions from 2 submitters: Uncertain significance (2). Last evaluated 2024-10-08.

Conditions:
Inborn genetic diseases. Identifiers: MedGen C0950123, MeSH D030342.

Allele frequency attached by ClinVar (database versions not stated): gnomAD exomes below 0.00001; TOPMed below 0.00001.
gnomAD v4.1: 2 of 1,613,828 alleles (0.00012%); highest among the groups gnomAD compares: Non-Finnish European, 0.00017%; no homozygotes.

Submissions (2):

Labcorp Genetics (formerly Invitae), Labcorp
Classification: Uncertain significance. Last evaluated: 2024-10-08. Review status: criteria provided, single submitter. Criteria: Invitae Variant Classification Sherloc (09022015). Collection method: clinical testing. Allele origin: germline.
Comment: This sequence change replaces valine, which is neutral and non-polar, with leucine, which is neutral and non-polar, at codon 2933 of the COL7A1 protein (p.Val2933Leu). This variant is present in population databases (no rsID available, gnomAD 0.007%). This variant has not been reported in the literature in individuals affected with COL7A1-related conditions. ClinVar contains an entry for this variant (Variation ID: 2084411). Invitae Evidence Modeling of protein sequence and biophysical properties (such as structural, functional, and spatial information, amino acid conservation, physicochemical variation, residue mobility, and thermodynamic stability) indicates that this missense variant is not expected to disrupt COL7A1 protein function with a negative predictive value of 95%. In summary, the available evidence is currently insufficient to determine the role of this variant in disease. Therefore, it has been classified as a Variant of Uncertain Significance.

Ambry Genetics
Classification: Uncertain significance for Inborn genetic diseases. Last evaluated: 2024-06-17. Review status: criteria provided, single submitter. Criteria: Ambry Variant Classification Scheme 2023. Collection method: clinical testing. Allele origin: germline.

NM_000094.4(COL7A1):c.8797G>C (p.Val2933Leu)

Gene: COL7A1 (collagen type VII alpha 1 chain; minus strand). Cytogenetic location: 3p21.31.
Variant type: single nucleotide variant.
Coding change: c.8797G>C on transcript NM_000094.4 (MANE Select); coding-DNA position 8797, G replaced by C.
Protein change: p.Val2933Leu; replaces valine 2933 with leucine.
Molecular consequence: missense variant.
Genome position (GRCh38, 1-based): chr3:48,564,804, C>G on the plus strand (G>C on the coding strand, the complement: COL7A1 is on the minus strand). VCF-style: chr3-48564804-C-G. GRCh37 (hg19) VCF-style: chr3-48602237-C-G.
Other names: short protein forms V2933L.
Identifiers: ClinVar variation 2084411 (VCV002084411.4), dbSNP rs1310338402, ClinGen allele CA352632530.